The following is an entry in ClinVar:

ClinVar aggregate classification (germline): Uncertain significance (1 of 4 stars; one submission).

Conditions:
Familial focal epilepsy with variable foci (FPEVF). Identifiers: Orphanet 98820, MedGen C1858477, MONDO:0020310.

Submission:

Labcorp Genetics (formerly Invitae), Labcorp
Classification: Uncertain significance for Familial focal epilepsy with variable foci. Last evaluated: 2024-05-22. Review status: criteria provided, single submitter. Criteria: Invitae Variant Classification Sherloc (09022015). Collection method: clinical testing. Allele origin: germline.
Comment: This sequence change replaces lysine, which is basic and polar, with arginine, which is basic and polar, at codon 28 of the DEPDC5 protein (p.Lys28Arg). This variant is not present in population databases (gnomAD no frequency). This variant has not been reported in the literature in individuals affected with DEPDC5-related conditions. ClinVar contains an entry for this variant (Variation ID: 2176774). Experimental studies and prediction algorithms are not available or were not evaluated, and the functional significance of this variant is currently unknown. In summary, the available evidence is currently insufficient to determine the role of this variant in disease. Therefore, it has been classified as a Variant of Uncertain Significance.

NM_001242896.3(DEPDC5):c.83A>G (p.Lys28Arg)

Gene: DEPDC5 (DEP domain containing 5, GATOR1 subcomplex subunit; plus strand). Cytogenetic location: 22q12.2.
Variant type: single nucleotide variant.
Coding change: c.83A>G on transcript NM_001242896.3 (MANE Select); coding-DNA position 83, A replaced by G.
Protein change: p.Lys28Arg; replaces lysine 28 with arginine.
Molecular consequence: missense variant. On other transcripts: non-coding transcript variant (5).
Genome position (GRCh38, 1-based): chr22:31,758,570, A>G. VCF-style: chr22-31758570-A-G. GRCh37 (hg19) VCF-style: chr22-32154556-A-G.
Other names: c.83A>G, p.Lys28Arg (NM_001007188.4, NM_001136029.4, NM_001242897.2 and 9 more transcripts); short protein forms K28R.
Identifiers: ClinVar variation 2176774 (VCV002176774.4), dbSNP rs2517738867, ClinGen allele CA411278821.
Genomic context (GRCh38, chr22:31,758,570, plus strand): 5'-TGTTTTTCTACTTGAAGTGGCTGAATTGTCTTTCAGATGATGAGCTAGTTGTGAACCCCA[A>G]AGTGTTCCCTCACATCAAGCTTGGAGACATTGTAGAGATTGCACACCCCAACGATGAATA-3'
Protein context (NP_001229825.1, residues 18-38): GSDDELVVNP[Lys28Arg]VFPHIKLGDI